The following is an entry in ClinVar:

NM_006516.4(SLC2A1):c.491TCG[2] (p.Val166del)

Gene: SLC2A1 (solute carrier family 2 member 1; minus strand). Cytogenetic location: 1p34.2.
Variant type: Microsatellite.
Coding change: c.491TCG[2] on transcript NM_006516.4 (MANE Select); two copies in a row of the 3-base unit TCG starting at c.491; the reference has three copies in a row; one copy, 3 bases deleted.
Protein change: p.Val166del; deletes valine 166.
Molecular consequence: inframe deletion.
Genome position (GRCh38, 1-based): chr1:42,930,643-42,930,645, CGA deleted on the plus strand (TCG on the coding strand, the reverse complement: SLC2A1 is on the minus strand); deleting any 3 consecutive bases within chr1:42,930,643-42,930,651 gives the same sequence; the position shown is the placement nearest the transcript's 3' end. VCF-style (leftmost placement, unchanged base first): chr1-42930642-CCGA-C. GRCh37 (hg19) VCF-style: chr1-43396313-CCGA-C.
Other names: short protein forms V166del.
Identifiers: ClinVar variation 1436457 (VCV001436457.6), dbSNP rs2124450060, ClinGen allele CA2580611163.

ClinVar aggregate classification (germline): Pathogenic (1 of 4 stars; one submission).

Conditions:
GLUT1 deficiency syndrome 1, autosomal recessive. Identifiers: MedGen C3149117.

Submission:

Labcorp Genetics (formerly Invitae), Labcorp
Classification: Pathogenic for GLUT1 deficiency syndrome 1, autosomal recessive. Last evaluated: 2021-09-15. Review status: criteria provided, single submitter. Criteria: Invitae Variant Classification Sherloc (09022015). Collection method: clinical testing. Allele origin: germline.
Comment: For these reasons, this variant has been classified as Pathogenic. This variant has been observed in individual(s) with clinical features of glucose transporter type 1 deficiency syndrome (PMID: 21838819, 29306089, 31302675). In at least one individual the variant was observed to be de novo. This variant is not present in population databases (ExAC no frequency). This variant, c.497_499del, results in the deletion of 1 amino acid(s) of the SLC2A1 protein (p.Val166del), but otherwise preserves the integrity of the reading frame.

Literature cited by the submitters: PubMed 21838819; PubMed 29306089; PubMed 31302675.